The following is an entry in ClinVar:

ClinVar aggregate classification (germline): Uncertain significance. Review status: criteria provided, single submitter (1 of 4 stars). 2 submissions from 2 submitters: Uncertain significance (1). 1 of the submissions does not count toward it. Last evaluated 2025-10-23.

Allele frequency attached by ClinVar (database versions not stated): gnomAD 0.00007 and 0.00009; gnomAD exomes 0.00009 and 0.00010; TOPMed 0.00009; ExAC 0.00009.

Submissions (2):

Ambry Genetics
Classification: Uncertain significance. Last evaluated: 2025-10-23. Review status: criteria provided, single submitter. Criteria: Ambry Variant Classification Scheme 2023. Collection method: clinical testing. Allele origin: germline.

ITMI
No classification provided. Condition: AllHighlyPenetrant. Last evaluated: 2013-09-19. Review status: no classification provided. Collection method: reference population. Allele origin: germline. Not counted in ClinVar's aggregate classification.
Comment: Please see associated publication for description of ethnicities

Literature cited by the submitters: PubMed 24728327 (cited by ITMI).

NM_170662.5(CBLB):c.1913T>C (p.Leu638Pro)

Gene: CBLB (Cbl proto-oncogene B; minus strand). Cytogenetic location: 3q13.11.
Variant type: single nucleotide variant.
Coding change: c.1913T>C on transcript NM_170662.5 (MANE Select); coding-DNA position 1913, T replaced by C.
Protein change: p.Leu638Pro; replaces leucine 638 with proline.
Molecular consequence: missense variant. On other transcripts: non-coding transcript variant (7).
Genome position (GRCh38, 1-based): chr3:105,702,140, A>G on the plus strand (T>C on the coding strand, the complement: CBLB is on the minus strand). VCF-style: chr3-105702140-A-G. GRCh37 (hg19) VCF-style: chr3-105420984-A-G.
Other names: c.1997T>C, p.Leu666Pro (NM_001321786.1, NM_001321789.1); c.1913T>C, p.Leu638Pro (NM_001321788.2, NM_001321791.2, NM_001321793.2 and 4 more transcripts); c.1979T>C, p.Leu660Pro (NM_001321790.2); c.1766T>C, p.Leu589Pro (NM_001321796.2, NM_001321799.2); c.1133T>C, p.Leu378Pro (NM_001321806.2, NM_001321807.2, NM_001321808.2 and 3 more transcripts); c.725T>C, p.Leu242Pro (NM_001321820.2); c.584T>C, p.Leu195Pro (NM_001321822.2); c.1913T>C (NM_170662.3); short protein forms L638P, L195P, L242P, L378P, L589P, L660P, L666P.
Identifiers: ClinVar variation 133824 (VCV000133824.2), dbSNP rs587778164, ClinGen allele CA157895.